The following is an entry in ClinVar:

NM_017763.6(RNF43):c.1418G>C (p.Gly473Ala)

Gene: RNF43 (ring finger protein 43; minus strand). Cytogenetic location: 17q22.
Variant type: single nucleotide variant.
Coding change: c.1418G>C on transcript NM_017763.6 (MANE Select); coding-DNA position 1418, G replaced by C.
Protein change: p.Gly473Ala; replaces glycine 473 with alanine.
Molecular consequence: missense variant.
Genome position (GRCh38, 1-based): chr17:58,358,358, C>G on the plus strand (G>C on the coding strand, the complement: RNF43 is on the minus strand). VCF-style: chr17-58358358-C-G. GRCh37 (hg19) VCF-style: chr17-56435719-C-G.
Other names: c.1418G>C, p.Gly473Ala (NM_001305544.3); c.1037G>C, p.Gly346Ala (NM_001305545.2); c.1418G>C (NM_017763.4); short protein forms G346A, G473A.
Identifiers: ClinVar variation 1019365 (VCV001019365.9), dbSNP rs1972747627, ClinGen allele CA400329934.
Genomic context (GRCh38, chr17:58,358,358, plus strand): 5'-CTGCCATGGACCCCCTGTAGGCTGATGTCCGTGCAGTTGACCACAGAGTCACTGGAAGAG[C>G]CATGACAGGGCCCTGAGCTGGAGTCACTGGCTGGCCCATCTGCCAGGTACCCACTGCGTT-3'
Protein context (NP_060233.3, residues 463-483): ASDSSSGPCH[Gly473Ala]SSSDSVVNCT

ClinVar aggregate classification (germline): Uncertain significance. Review status: criteria provided, multiple submitters, no conflicts (2 of 4 stars). 2 submissions from 2 submitters: Uncertain significance (2). Last evaluated 2026-03-12.

Submissions (2):

Ambry Genetics
Classification: Uncertain significance. Last evaluated: 2026-03-12. Review status: criteria provided, single submitter. Criteria: Ambry Variant Classification Scheme 2023. Collection method: clinical testing. Allele origin: germline.
Comment: The p.G473A variant (also known as c.1418G>C), located in coding exon 8 of the RNF43 gene, results from a G to C substitution at nucleotide position 1418. The glycine at codon 473 is replaced by alanine, an amino acid with similar properties. This amino acid position is conserved. In addition, this alteration is predicted to be tolerated by in silico analysis. Based on the available evidence, the clinical significance of this variant remains unclear.

Labcorp Genetics (formerly Invitae), Labcorp
Classification: Uncertain significance. Last evaluated: 2020-10-30. Review status: criteria provided, single submitter. Criteria: Invitae Variant Classification Sherloc (09022015). Collection method: clinical testing. Allele origin: germline.
Comment: In summary, the available evidence is currently insufficient to determine the role of this variant in disease. Therefore, it has been classified as a Variant of Uncertain Significance. Algorithms developed to predict the effect of missense changes on protein structure and function are either unavailable or do not agree on the potential impact of this missense change (SIFT: "Deleterious"; PolyPhen-2: "Probably Damaging"; Align-GVGD: "Class C0"). This variant has not been reported in the literature in individuals with RNF43-related conditions. This variant is not present in population databases (ExAC no frequency). This sequence change replaces glycine with alanine at codon 473 of the RNF43 protein (p.Gly473Ala). The glycine residue is highly conserved and there is a small physicochemical difference between glycine and alanine.